The following is an entry in ClinVar:

NM_006922.4(SCN3A):c.695-4G>A

Gene: SCN3A (sodium voltage-gated channel alpha subunit 3; minus strand). Cytogenetic location: 2q24.3.
Variant type: single nucleotide variant.
Coding change: c.695-4G>A on transcript NM_006922.4 (MANE Select); 4 bases into the intron before coding-DNA position 695, G replaced by A.
Molecular consequence: intron variant.
Genome position (GRCh38, 1-based): chr2:165,162,832, C>T on the plus strand (G>A on the coding strand, the complement: SCN3A is on the minus strand). VCF-style: chr2-165162832-C-T. GRCh37 (hg19) VCF-style: chr2-166019342-C-T.
Other names: c.695-4G>A (NM_001081676.2, NM_001081677.2, NM_006922.3).
Identifiers: ClinVar variation 1597888 (VCV001597888.10), dbSNP rs1343273020, ClinGen allele CA537510299.

ClinVar aggregate classification (germline): Likely benign. Review status: criteria provided, single submitter (1 of 4 stars). 2 submissions from 2 submitters: Likely benign (1). 1 of the submissions does not count toward it. Last evaluated 2024-09-04.

Conditions:
SCN3A-related disorder. Also called: SCN3A-related condition.

Allele frequency attached by ClinVar (database versions not stated): TOPMed 0.00002; gnomAD 0.00003 and 0.00004.

Submissions (2):

Labcorp Genetics (formerly Invitae), Labcorp
Classification: Likely benign. Last evaluated: 2024-09-04. Review status: criteria provided, single submitter. Criteria: Invitae Variant Classification Sherloc (09022015). Collection method: clinical testing. Allele origin: germline.

PreventionGenetics, part of Exact Sciences
Classification: Likely benign for SCN3A-related condition. Last evaluated: 2022-08-10. Review status: no assertion criteria provided. Collection method: clinical testing. Allele origin: germline. Not counted in ClinVar's aggregate classification.
Comment: This variant is classified as likely benign based on ACMG/AMP sequence variant interpretation guidelines (Richards et al. 2015 PMID: 25741868, with internal and published modifications).